The following is an entry in ClinVar:

NM_173630.4(RTTN):c.29T>C (p.Leu10Pro)

Gene: RTTN (rotatin; minus strand). Cytogenetic location: 18q22.2.
Variant type: single nucleotide variant.
Coding change: c.29T>C on transcript NM_173630.4 (MANE Select); coding-DNA position 29, T replaced by C.
Protein change: p.Leu10Pro; replaces leucine 10 with proline.
Molecular consequence: missense variant. On other transcripts: 5 prime UTR variant (1).
Genome position (GRCh38, 1-based): chr18:70,205,630, A>G on the plus strand (T>C on the coding strand, the complement: RTTN is on the minus strand). VCF-style: chr18-70205630-A-G. GRCh37 (hg19) VCF-style: chr18-67872866-A-G.
Other names: c.-2525T>C (NM_001318520.2); short protein forms L10P.
Identifiers: ClinVar variation 930363 (VCV000930363.3), dbSNP rs2062061239, ClinGen allele CA402693211.

ClinVar aggregate classification (germline): Uncertain significance (1 of 4 stars; one submission).

Conditions:
Microcephalic primordial dwarfism due to RTTN deficiency (MSSP). Also called: Microcephaly, short stature, and polymicrogyria with or without seizures; MICROCEPHALY, SHORT STATURE, AND POLYMICROGYRIA. Identifiers: Orphanet 468631, MedGen C3553831, MONDO:0018764, OMIM 614833.

gnomAD v4.1: 1 of 1,614,034 alleles (0.000062%); highest among the groups gnomAD compares: Non-Finnish European, 0.000085%; no homozygotes.

Submission:

Centre for Mendelian Genomics, University Medical Centre Ljubljana
Classification: Uncertain significance for Microcephalic primordial dwarfism due to RTTN deficiency. Last evaluated: 2019-10-02. Review status: criteria provided, single submitter. Criteria: ACMG Guidelines, 2015. Collection method: clinical testing. Allele origin: unknown. Affected: yes.
Comment: This variant was classified as: Uncertain significance. The available evidence on this variant's pathogenicity is insufficient or conflicting. The following ACMG criteria were applied in classifying this variant: PM2,PP3.